The following is an entry in ClinVar:

ClinVar aggregate classification (germline): Uncertain significance. Review status: criteria provided, multiple submitters, no conflicts (2 of 4 stars). 4 submissions from 4 submitters: Uncertain significance (4). Last evaluated 2026-09-17.

Conditions:
IMPG1-related disorder. Also called: IMPG1-related condition.

Allele frequency attached by ClinVar (database versions not stated): ExAC 0.00001; gnomAD 0.00001; gnomAD exomes 0.00002; TOPMed 0.00002.

Submissions (4):

PreventionGenetics, part of Exact Sciences
Classification: Uncertain significance for IMPG1-related condition. Last evaluated: 2026-09-17. Review status: criteria provided, single submitter. Criteria: ACMG Guidelines, 2015. Collection method: clinical testing. Allele origin: germline.
Comment: The IMPG1 c.705G>T variant is predicted to result in the amino acid substitution p.Arg235Ser. To our knowledge, this variant has not been reported in the literature. This variant is reported in 0.012% of alleles in individuals of Latino descent in gnomAD. At this time, the clinical significance of this variant is uncertain due to the absence of conclusive functional and genetic evidence.

Labcorp Genetics (formerly Invitae), Labcorp
Classification: Uncertain significance. Last evaluated: 2024-12-21. Review status: criteria provided, single submitter. Criteria: Invitae Variant Classification Sherloc (09022015). Collection method: clinical testing. Allele origin: germline.
Comment: This sequence change replaces arginine, which is basic and polar, with serine, which is neutral and polar, at codon 235 of the IMPG1 protein (p.Arg235Ser). This variant is present in population databases (rs775558097, gnomAD 0.01%). This variant has not been reported in the literature in individuals affected with IMPG1-related conditions. ClinVar contains an entry for this variant (Variation ID: 1503943). An algorithm developed to predict the effect of missense changes on protein structure and function (PolyPhen-2) suggests that this variant is likely to be tolerated. In summary, the available evidence is currently insufficient to determine the role of this variant in disease. Therefore, it has been classified as a Variant of Uncertain Significance.

Blueprint Genetics
Classification: Uncertain significance. Last evaluated: 2022-01-19. Review status: criteria provided, single submitter. Criteria: ACMG Guidelines, 2015. Collection method: clinical testing. Allele origin: germline.

Ambry Genetics
Classification: Uncertain significance. Last evaluated: 2021-08-13. Review status: criteria provided, single submitter. Criteria: Ambry Variant Classification Scheme 2023. Collection method: clinical testing. Allele origin: germline.

NM_001563.4(IMPG1):c.705G>T (p.Arg235Ser)

Gene: IMPG1 (interphotoreceptor matrix proteoglycan 1; minus strand). Cytogenetic location: 6q14.1.
Variant type: single nucleotide variant.
Coding change: c.705G>T on transcript NM_001563.4 (MANE Select); coding-DNA position 705, G replaced by T.
Protein change: p.Arg235Ser; replaces arginine 235 with serine.
Molecular consequence: missense variant.
Genome position (GRCh38, 1-based): chr6:76,018,820, C>A on the plus strand (G>T on the coding strand, the complement: IMPG1 is on the minus strand). VCF-style: chr6-76018820-C-A. GRCh37 (hg19) VCF-style: chr6-76728537-C-A.
Other names: c.471G>T, p.Arg157Ser (NM_001282368.2); c.705G>T (NM_001563.2, NM_001563.3); short protein forms R157S, R235S.
Identifiers: ClinVar variation 1503943 (VCV001503943.11), dbSNP rs775558097, ClinGen allele CA3898361.